The following is an entry in ClinVar:

ClinVar aggregate classification (germline): Likely benign. Review status: criteria provided, single submitter (1 of 4 stars). 2 submissions from 2 submitters: Likely benign (1). 1 of the submissions does not count toward it. Last evaluated 2025-01-29.

Conditions:
IFT74-related disorder. Also called: IFT74-related condition; IFT74-Related Disorders.

Allele frequency attached by ClinVar (database versions not stated): gnomAD exomes 0.00001 and 0.00002; TOPMed 0.00002; ExAC 0.00003; gnomAD 0.00003.
gnomAD v4.1: 27 of 1,589,576 alleles (0.0017%); highest among the groups gnomAD compares: Admixed American, 0.0033%; no homozygotes.

Submissions (2):

Labcorp Genetics (formerly Invitae), Labcorp
Classification: Likely benign. Last evaluated: 2025-01-29. Review status: criteria provided, single submitter. Criteria: Invitae Variant Classification Sherloc (09022015). Collection method: clinical testing. Allele origin: germline.

PreventionGenetics, part of Exact Sciences
Classification: Likely benign for IFT74-related condition. Last evaluated: 2024-04-30. Review status: no assertion criteria provided. Collection method: clinical testing. Allele origin: germline. Not counted in ClinVar's aggregate classification.
Comment: This variant is classified as likely benign based on ACMG/AMP sequence variant interpretation guidelines (Richards et al. 2015 PMID: 25741868, with internal and published modifications).

NM_025103.4(IFT74):c.257-8T>C

Gene: IFT74 (intraflagellar transport 74; plus strand). Cytogenetic location: 9p21.2.
Variant type: single nucleotide variant.
Coding change: c.257-8T>C on transcript NM_025103.4 (MANE Select); 8 bases into the intron before coding-DNA position 257, T replaced by C.
Molecular consequence: intron variant.
Genome position (GRCh38, 1-based): chr9:26,980,563, T>C. VCF-style: chr9-26980563-T-C. GRCh37 (hg19) VCF-style: chr9-26980561-T-C.
Other names: c.257-8T>C (NM_025103.2, NM_001099223.3, NM_001099222.3 and 2 more transcripts).
Identifiers: ClinVar variation 1640664 (VCV001640664.9), dbSNP rs745628423, ClinGen allele CA5014879.